The following is an entry in ClinVar:

ClinVar aggregate classification (germline): Uncertain significance. Review status: reviewed by expert panel (3 of 4 stars). 3 submissions from 3 submitters: Uncertain significance (1). 2 of the submissions do not count toward it. Last evaluated 2024-03-07.

Conditions:
Glanzmann thrombasthenia. Also called: PLATELET GLYCOPROTEIN IIb-IIIa DEFICIENCY; Thrombasthenia; Glanzmann's thrombasthenia; BLEEDING DISORDER, PLATELET-TYPE, 2; THROMBASTHENIA OF GLANZMANN AND NAEGELI. Identifiers: Orphanet 849, MedGen C0040015, MONDO:0100326.

Allele frequency attached by ClinVar (database versions not stated): ExAC 0.00001; gnomAD exomes 0.00002; TOPMed 0.00002; gnomAD 0.00006.

Submissions (3):

ClinGen Platelet Disorders Variant Curation Expert Panel, ClinGen
Classification: Uncertain significance for Glanzmann thrombasthenia. Last evaluated: 2024-03-07. Review status: reviewed by expert panel. Criteria: ClinGen Platelet ACMG Specifications v2-1. Collection method: curation. Allele origin: germline. Inheritance: Autosomal recessive inheritance.
Comment: The NM_000419.5:c.1157G>A variant in ITGA2B is a missense variant predicted to cause substitution of Arginine by Glutamine at amino acid 386 (p.Arg386Gln). The highest population minor allele frequency in gnomAD v2.1.1 is 0.00006306 (8/126862 alleles) in the European (non Finnish) population, which is lower than the ClinGen PD VCEP threshold (<0.0001; PM2_Supporting). This variant was observed by Ilumina as part of a predisposition screen in an ostensibly healthy population but has not been reported in the literature for Glanzmann thrombasthenia. In summary, this variant meets the criteria to be classified as Uncertain significance - insufficient evidence for autosomal recessive Glanzmann Thrombasthenia based on the ACMG/AMP criteria applied, as specified by the ClinGen PD VCEP: PM2_Supporting (VCEP specifications version 2.

Labcorp Genetics (formerly Invitae), Labcorp
Classification: Uncertain significance for Glanzmann thrombasthenia. Last evaluated: 2024-09-03. Review status: criteria provided, single submitter. Criteria: Invitae Variant Classification Sherloc (09022015). Collection method: clinical testing. Allele origin: germline. Not counted in ClinVar's aggregate classification.
Comment: This sequence change replaces arginine, which is basic and polar, with glutamine, which is neutral and polar, at codon 386 of the ITGA2B protein (p.Arg386Gln). This variant is present in population databases (rs767338191, gnomAD 0.006%). This variant has not been reported in the literature in individuals affected with ITGA2B-related conditions. ClinVar contains an entry for this variant (Variation ID: 323558). Invitae Evidence Modeling of protein sequence and biophysical properties (such as structural, functional, and spatial information, amino acid conservation, physicochemical variation, residue mobility, and thermodynamic stability) indicates that this missense variant is not expected to disrupt ITGA2B protein function with a negative predictive value of 80%. In summary, the available evidence is currently insufficient to determine the role of this variant in disease. Therefore, it has been classified as a Variant of Uncertain Significance.

Illumina Laboratory Services, Illumina
Classification: Uncertain significance for Glanzmann thrombasthenia 1. Last evaluated: 2018-01-12. Review status: criteria provided, single submitter. Criteria: ICSL Variant Classification Criteria 13 December 2019. Collection method: clinical testing. Allele origin: germline. Not counted in ClinVar's aggregate classification.

NM_000419.5(ITGA2B):c.1157G>A (p.Arg386Gln)

Gene: ITGA2B (integrin subunit alpha 2b; minus strand). Cytogenetic location: 17q21.31.
Variant type: single nucleotide variant.
Coding change: c.1157G>A on transcript NM_000419.5 (MANE Select); coding-DNA position 1157, G replaced by A.
Protein change: p.Arg386Gln; replaces arginine 386 with glutamine.
Molecular consequence: missense variant.
Genome position (GRCh38, 1-based): chr17:44,383,546, C>T on the plus strand (G>A on the coding strand, the complement: ITGA2B is on the minus strand). VCF-style: chr17-44383546-C-T. GRCh37 (hg19) VCF-style: chr17-42460914-C-T.
Other names: NM_000419.5(ITGA2B):c.1157G>A; p.Arg386Gln; c.1157G>A (LRG_479t1); short protein forms R386Q.
Identifiers: ClinVar variation 323558 (VCV000323558.9), dbSNP rs767338191, ClinGen allele CA8603214.